The following is an entry in ClinVar:

ClinVar aggregate classification (germline): Uncertain significance (1 of 4 stars; one submission).

Submission:

Labcorp Genetics (formerly Invitae), Labcorp
Classification: Uncertain significance. Last evaluated: 2022-03-07. Review status: criteria provided, single submitter. Criteria: Invitae Variant Classification Sherloc (09022015). Collection method: clinical testing. Allele origin: germline.
Comment: This sequence change replaces serine, which is neutral and polar, with cysteine, which is neutral and slightly polar, at codon 653 of the TWNK protein (p.Ser653Cys). In summary, the available evidence is currently insufficient to determine the role of this variant in disease. Therefore, it has been classified as a Variant of Uncertain Significance. Advanced modeling of protein sequence and biophysical properties (such as structural, functional, and spatial information, amino acid conservation, physicochemical variation, residue mobility, and thermodynamic stability) performed at Invitae indicates that this missense variant is not expected to disrupt TWNK protein function. This variant has not been reported in the literature in individuals affected with TWNK-related conditions. This variant is not present in population databases (gnomAD no frequency).

NM_021830.5(TWNK):c.1958C>G (p.Ser653Cys)

Gene: TWNK (twinkle mtDNA helicase; plus strand). Cytogenetic location: 10q24.31.
Variant type: single nucleotide variant.
Coding change: c.1958C>G on transcript NM_021830.5 (MANE Select); coding-DNA position 1958, C replaced by G.
Protein change: p.Ser653Cys; replaces serine 653 with cysteine.
Molecular consequence: missense variant. On other transcripts: 3 prime UTR variant (2), non-coding transcript variant (5).
Genome position (GRCh38, 1-based): chr10:100,993,413, C>G. VCF-style: chr10-100993413-C-G. GRCh37 (hg19) VCF-style: chr10-102753170-C-G.
Other names: c.*253C>G (NM_001163812.2, NM_001163814.2); c.596C>G, p.Ser199Cys (NM_001163813.2, NM_001368275.1); short protein forms S199C, S653C.
Identifiers: ClinVar variation 2107291 (VCV002107291.4), dbSNP rs775046032, ClinGen allele CA378212771.